The following is an entry in ClinVar:

ClinVar aggregate classification (germline): Uncertain significance (1 of 4 stars; one submission).

Submission:

Labcorp Genetics (formerly Invitae), Labcorp
Classification: Uncertain significance. Last evaluated: 2022-02-01. Review status: criteria provided, single submitter. Criteria: Invitae Variant Classification Sherloc (09022015). Collection method: clinical testing. Allele origin: germline.
Comment: This variant has not been reported in the literature in individuals affected with ADAMTS18-related conditions. This variant is not present in population databases (gnomAD no frequency). This sequence change replaces arginine, which is basic and polar, with leucine, which is neutral and non-polar, at codon 88 of the ADAMTS18 protein (p.Arg88Leu). Algorithms developed to predict the effect of missense changes on protein structure and function are either unavailable or do not agree on the potential impact of this missense change (SIFT: "Not Available"; PolyPhen-2: "Probably Damaging"; Align-GVGD: "Not Available"). In summary, the available evidence is currently insufficient to determine the role of this variant in disease. Therefore, it has been classified as a Variant of Uncertain Significance.

NM_199355.4(ADAMTS18):c.263G>T (p.Arg88Leu)

Gene: ADAMTS18 (ADAM metallopeptidase with thrombospondin type 1 motif 18; minus strand). Cytogenetic location: 16q23.1.
Variant type: single nucleotide variant.
Coding change: c.263G>T on transcript NM_199355.4 (MANE Select); coding-DNA position 263, G replaced by T.
Protein change: p.Arg88Leu; replaces arginine 88 with leucine.
Molecular consequence: missense variant. On other transcripts: 5 prime UTR variant (1).
Genome position (GRCh38, 1-based): chr16:77,431,527, C>A on the plus strand (G>T on the coding strand, the complement: ADAMTS18 is on the minus strand). VCF-style: chr16-77431527-C-A. GRCh37 (hg19) VCF-style: chr16-77465424-C-A.
Other names: c.-258G>T (NM_001326358.2); short protein forms R88L.
Identifiers: ClinVar variation 2091315 (VCV002091315.4), dbSNP rs1206732643, ClinGen allele CA396851463.